The following is an entry in ClinVar:

ClinVar aggregate classification (germline): Uncertain significance (1 of 4 stars; one submission).

Conditions:
Neurofibromatosis, type 2 (SWNV). Also called: BILATERAL ACOUSTIC NEUROFIBROMATOSIS; NF2-Related Schwannomatosis; SCHWANNOMATOSIS, VESTIBULAR. Identifiers: Orphanet 637, MedGen C0027832, MONDO:0007039, OMIM 101000. Disease mechanism: loss of function.

Submission:

Labcorp Genetics (formerly Invitae), Labcorp
Classification: Uncertain significance for Neurofibromatosis, type 2. Last evaluated: 2025-06-30. Review status: criteria provided, single submitter. Criteria: Invitae Variant Classification Sherloc (09022015). Collection method: clinical testing. Allele origin: germline.
Comment: This sequence change replaces valine, which is neutral and non-polar, with methionine, which is neutral and non-polar, at codon 139 of the NF2 protein (p.Val139Met). This variant is not present in population databases (gnomAD no frequency). This variant has not been reported in the literature in individuals affected with NF2-related conditions. Invitae Evidence Modeling of protein sequence and biophysical properties (such as structural, functional, and spatial information, amino acid conservation, physicochemical variation, residue mobility, and thermodynamic stability) indicates that this missense variant is expected to disrupt NF2 protein function with a positive predictive value of 80%. In summary, the available evidence is currently insufficient to determine the role of this variant in disease. Therefore, it has been classified as a Variant of Uncertain Significance.

NM_000268.4(NF2):c.415G>A (p.Val139Met)

Gene: NF2 (NF2, moesin-ezrin-radixin like (MERLIN) tumor suppressor; plus strand). Cytogenetic location: 22q12.2.
Variant type: single nucleotide variant.
Coding change: c.415G>A on transcript NM_000268.4 (MANE Select); coding-DNA position 415, G replaced by A.
Protein change: p.Val139Met; replaces valine 139 with methionine.
Molecular consequence: missense variant. On other transcripts: 5 prime UTR variant (1), non-coding transcript variant (1).
Genome position (GRCh38, 1-based): chr22:29,642,253, G>A. VCF-style: chr22-29642253-G-A. GRCh37 (hg19) VCF-style: chr22-30038242-G-A.
Other names: c.301G>A, p.Val101Met (NM_001407053.1, NM_001407056.1); c.292G>A, p.Val98Met (NM_001407054.1, NM_001407058.1, NM_001407062.1 and 1 more transcripts); c.289G>A, p.Val97Met (NM_001407055.1, NM_181828.3); c.415G>A, p.Val139Met (NM_001407057.1, NM_001407059.1, NM_001407060.1 and 5 more transcripts); c.166G>A, p.Val56Met (NM_001407063.1, NM_001407064.1, NM_181830.3 and 1 more transcripts); c.-226G>A (NM_001407065.1); c.184G>A, p.Val62Met (NM_001407067.1); short protein forms V101M, V139M, V56M, V62M, V97M, V98M.
Identifiers: ClinVar variation 4803065 (VCV004803065.1).
Genomic context (GRCh38, chr22:29,642,253, plus strand): 5'-TCCTTTCAGGTAAAGAAGCAGATTTTAGATGAAAAGATCTACTGCCCTCCTGAGGCTTCT[G>A]TGCTCCTGGCTTCTTACGCCGTCCAGGCCAAGGTAGGCTCAAAGAAGAAAAATGTATTTT-3'
Protein context (NP_000259.1, residues 129-149): EKIYCPPEAS[Val139Met]LLASYAVQAK